The following is an entry in ClinVar:

ClinVar aggregate classification (germline): Conflicting classifications of pathogenicity. Review status: criteria provided, conflicting classifications (1 of 4 stars). 5 submissions from 5 submitters: Uncertain significance (4); Likely benign (1). Last evaluated 2025-11-05.

Conditions:
Hereditary von Willebrand disease. Identifiers: Orphanet 903, MedGen C5703318, MONDO:0019565. Inheritance: Autosomal recessive or Autosomal dominant.

Allele frequency attached by ClinVar (database versions not stated): gnomAD exomes 0.00007 and 0.00027; ExAC 0.00036; gnomAD 0.00098 and 0.00096; TOPMed 0.00099; 1000 Genomes Project 0.00180; ESP Exome Variant Server 0.00077; 1000 Genomes Project 30x 0.00187.
gnomAD v4.1: 254 of 1,613,700 alleles (0.016%); highest among the groups gnomAD compares: African/African-American, 0.32%; 1 homozygote.

Submissions (5):

Women's Health and Genetics/Laboratory Corporation of America, LabCorp
Classification: Uncertain significance. Last evaluated: 2025-11-05. Review status: criteria provided, single submitter. Criteria: LabCorp Variant Classification Summary - May 2015. Collection method: clinical testing. Allele origin: germline.
Comment: Variant summary: VWF c.1463C>G (p.Ala488Gly) results in a non-conservative amino acid change in the encoded protein sequence. Algorithms developed to predict the effect of missense changes on protein structure and function are either unavailable or do not agree on the potential impact of this missense change. The variant allele was found at a frequency of 0.00027 in 250268 control chromosomes. This frequency is not significantly higher than estimated for disease-causing variants in VWF, allowing no conclusion about variant significance. 1463C>G has been observed in an individual affected with bleeding, thrombotic or platelet disorder (Downes_2019) but also observed in controls (Sadler_2021). These report(s) do not provide unequivocal conclusions about association of the variant with Von Willebrand Disease. To our knowledge, no experimental evidence demonstrating an impact on protein function has been reported. The following publications have been ascertained in the context of this evaluation (PMID: 31064749, 33556167). ClinVar contains an entry for this variant (Variation ID: 627243). Based on the evidence outlined above, the variant was classified as uncertain significance.

Blueprint Genetics
Classification: Likely benign. Last evaluated: 2024-07-05. Review status: criteria provided, single submitter. Criteria: ACMG Guidelines, 2015. Collection method: clinical testing. Allele origin: germline.

Quest Diagnostics Nichols Institute San Juan Capistrano
Classification: Uncertain significance. Last evaluated: 2023-12-27. Review status: criteria provided, single submitter. Criteria: Quest Diagnostics criteria. Collection method: clinical testing. Allele origin: unknown.
Comment: The VWF c.1463C>G (p.Ala488Gly) variant has been reported in the published literature in an individual with bleeding, thrombotic, and platelet disorder who carried a second VWF variant (PMID: 31064749 (2019)). The c.1463C>G (p.Ala488Gly) variant has also been observed in reportedly healthy individuals (PMIDs: 33556167 (2021), 22197721 (2012)). The frequency of this variant in the general population, 0.0038 (95/24926 chromosomes (Genome Aggregation Database)), is uninformative in the assessment of its pathogenicity. Analysis of this variant using bioinformatics tools for the prediction of the effect of amino acid changes on protein structure and function yielded predictions that this variant is benign. Based on the available information, we are unable to determine the clinical significance of this variant.

GeneDx
Classification: Uncertain significance. Last evaluated: 2023-03-30. Review status: criteria provided, single submitter. Criteria: GeneDx Variant Classification Process June 2021. Collection method: clinical testing. Allele origin: germline. Affected: yes.
Comment: In silico analysis supports that this missense variant does not alter protein structure/function; Identified in a patient with a bleeding, thrombotic, or platelet disorder, but no additional information was provided (Downes et al., 2019); This variant is associated with the following publications: (PMID: 22197721, 33556167, 31064749)

NIHR Bioresource Rare Diseases, University of Cambridge
Classification: Uncertain significance for von Willebrand disorder. Last evaluated: 2019-02-01. Review status: criteria provided, single submitter. Criteria: ACMG Guidelines, 2015. Collection method: research. Allele origin: unknown. Affected: yes. Observed: 1 compound heterozygote. Study: ThromboGenomics.

Literature cited by the submitters: PubMed 31064749 (cited by 3 submitters); PubMed 33556167 (cited by Women's Health and Genetics/Laboratory Corporation of America, LabCorp and Quest Diagnostics Nichols Institute San Juan Capistrano); PubMed 22197721 (cited by Quest Diagnostics Nichols Institute San Juan Capistrano).

NM_000552.5(VWF):c.1463C>G (p.Ala488Gly)

Gene: VWF (von Willebrand factor; minus strand). Cytogenetic location: 12p13.31.
Variant type: single nucleotide variant.
Coding change: c.1463C>G on transcript NM_000552.5 (MANE Select); coding-DNA position 1463, C replaced by G.
Protein change: p.Ala488Gly; replaces alanine 488 with glycine.
Molecular consequence: missense variant.
Genome position (GRCh38, 1-based): chr12:6,063,024, G>C on the plus strand (C>G on the coding strand, the complement: VWF is on the minus strand). VCF-style: chr12-6063024-G-C. GRCh37 (hg19) VCF-style: chr12-6172190-G-C.
Other names: c.1463C>G (NM_000552.4); short protein forms A488G.
Identifiers: ClinVar variation 627243 (VCV000627243.6), dbSNP rs144817575, ClinGen allele CA6403389.